The following is an entry in ClinVar:

ClinVar aggregate classification (germline): Uncertain significance (1 of 4 stars; one submission).

Allele frequency attached by ClinVar (database versions not stated): gnomAD exomes below 0.00001.
gnomAD v4.1: 2 of 1,612,140 alleles (0.00012%); highest among the groups gnomAD compares: South Asian, 0.0022%; no homozygotes.

Submission:

Labcorp Genetics (formerly Invitae), Labcorp
Classification: Uncertain significance. Last evaluated: 2021-07-14. Review status: criteria provided, single submitter. Criteria: Invitae Variant Classification Sherloc (09022015). Collection method: clinical testing. Allele origin: germline.
Comment: This sequence change replaces phenylalanine with serine at codon 817 of the ANLN protein (p.Phe817Ser). The phenylalanine residue is moderately conserved and there is a large physicochemical difference between phenylalanine and serine. This variant is not present in population databases (ExAC no frequency). This variant has not been reported in the literature in individuals affected with ANLN-related conditions. Algorithms developed to predict the effect of missense changes on protein structure and function are either unavailable or do not agree on the potential impact of this missense change (SIFT: "Deleterious"; PolyPhen-2: "Probably Damaging"; Align-GVGD: "Class C0"). In summary, the available evidence is currently insufficient to determine the role of this variant in disease. Therefore, it has been classified as a Variant of Uncertain Significance.

NM_018685.5(ANLN):c.2450T>C (p.Phe817Ser)

Gene: ANLN (anillin, actin binding protein; plus strand). Cytogenetic location: 7p14.2.
Variant type: single nucleotide variant.
Coding change: c.2450T>C on transcript NM_018685.5 (MANE Select); coding-DNA position 2450, T replaced by C.
Protein change: p.Phe817Ser; replaces phenylalanine 817 with serine.
Molecular consequence: missense variant.
Genome position (GRCh38, 1-based): chr7:36,422,783, T>C. VCF-style: chr7-36422783-T-C. GRCh37 (hg19) VCF-style: chr7-36462392-T-C.
Other names: c.2339T>C, p.Phe780Ser (NM_001284301.3); c.2336T>C, p.Phe779Ser (NM_001284302.3); short protein forms F780S, F817S, F779S.
Identifiers: ClinVar variation 1480231 (VCV001480231.8), dbSNP rs1314071720, ClinGen allele CA367213917.